The following is an entry in ClinVar:

ClinVar aggregate classification (germline): Likely benign. Review status: criteria provided, multiple submitters, no conflicts (2 of 4 stars). 4 submissions from 4 submitters: Likely benign (4). Last evaluated 2025-04-30.

Conditions:
Cardiomyopathy (CMYO). Also called: Cardiomyopathies. Identifiers: Orphanet 167848, MedGen C0878544, MONDO:0004994, HP:0001638. Inheritance: Various modes of inheritance.
Catecholaminergic polymorphic ventricular tachycardia 1. Also called: RYR2-Related Catecholaminergic Polymorphic Ventricular Tachycardia; VENTRICULAR TACHYCARDIA, STRESS-INDUCED POLYMORPHIC 1; VENTRICULAR TACHYCARDIA, CATECHOLAMINERGIC POLYMORPHIC, 1, WITH OR WITHOUT ATRIAL DYSFUNCTION AND/OR DILATED CARDIOMYOPATHY. Identifiers: Orphanet 3286, MedGen C1631597, MONDO:0011484, OMIM 604772.

Allele frequency attached by ClinVar (database versions not stated): gnomAD exomes 0.00002; gnomAD 0.00003.

Submissions (4):

Labcorp Genetics (formerly Invitae), Labcorp
Classification: Likely benign for Catecholaminergic polymorphic ventricular tachycardia 1. Last evaluated: 2025-04-30. Review status: criteria provided, single submitter. Criteria: Invitae Variant Classification Sherloc (09022015). Collection method: clinical testing. Allele origin: germline.

Blueprint Genetics
Classification: Likely benign. Last evaluated: 2019-11-07. Review status: criteria provided, single submitter. Criteria: ACMG Guidelines, 2015. Collection method: clinical testing. Allele origin: germline.

Color Diagnostics, LLC DBA Color Health
Classification: Likely benign for Cardiomyopathy. Last evaluated: 2018-11-16. Review status: criteria provided, single submitter. Criteria: ACMG Guidelines, 2015. Collection method: clinical testing. Allele origin: germline.

Laboratory for Molecular Medicine, Mass General Brigham Personalized Medicine
Classification: Likely benign. Last evaluated: 2015-05-21. Review status: criteria provided, single submitter. Criteria: LMM Criteria. Collection method: clinical testing. Allele origin: germline. Observed: 1 variant allele.
Comment: c.1477-8C>T in intron 15 of RYR2: This variant is not expected to have clinical significance because a C>T change at this position does not diverge from the sp lice consensus and is therefore unlikely to impact splicing.

NM_001035.3(RYR2):c.1477-8C>T

Gene: RYR2 (ryanodine receptor 2; plus strand). Cytogenetic location: 1q43.
Variant type: single nucleotide variant.
Coding change: c.1477-8C>T on transcript NM_001035.3 (MANE Select); 8 bases into the intron before coding-DNA position 1477, C replaced by T.
Molecular consequence: intron variant.
Genome position (GRCh38, 1-based): chr1:237,456,592, C>T. VCF-style: chr1-237456592-C-T. GRCh37 (hg19) VCF-style: chr1-237619892-C-T.
Identifiers: ClinVar variation 227912 (VCV000227912.17), dbSNP rs876657575, ClinGen allele CA10576399.